The following is an entry in ClinVar:

ClinVar aggregate classification (germline): Conflicting classifications of pathogenicity. Review status: criteria provided, conflicting classifications (1 of 4 stars). 2 submissions from 2 submitters: Uncertain significance (1); Likely benign (1). Last evaluated 2026-01-12.

Conditions:
Pyruvate carboxylase deficiency. Also called: LEIGH NECROTIZING ENCEPHALOPATHY DUE TO PYRUVATE CARBOXYLASE DEFICIENCY; LEIGH SYNDROME DUE TO PYRUVATE CARBOXYLASE DEFICIENCY; ATAXIA WITH LACTIC ACIDOSIS II; PC DEFICIENCY; Pyruvate Carboxylase Deficiency Disease. Identifiers: Orphanet 3008, MedGen C0034341, MONDO:0009949, OMIM 266150.

Allele frequency attached by ClinVar (database versions not stated): TOPMed 0.00001; gnomAD 0.00002 and 0.00004; gnomAD exomes 0.00002 and 0.00004; ExAC 0.00003.
gnomAD v4.1: 35 of 1,614,088 alleles (0.0022%); highest among the groups gnomAD compares: Middle Eastern, 0.016%; no homozygotes.

Submissions (2):

Labcorp Genetics (formerly Invitae), Labcorp
Classification: Likely benign for Pyruvate carboxylase deficiency. Last evaluated: 2026-01-12. Review status: criteria provided, single submitter. Criteria: Invitae Variant Classification Sherloc (09022015). Collection method: clinical testing. Allele origin: germline.

GeneDx
Classification: Uncertain significance. Last evaluated: 2019-07-17. Review status: criteria provided, single submitter. Criteria: GeneDx Variant Classification Process June 2021. Collection method: clinical testing. Allele origin: germline. Affected: yes.
Comment: In silico analysis, which includes protein predictors and evolutionary conservation, supports that this variant does not alter protein structure/function; Has not been previously published as pathogenic or benign to our knowledge

NM_001040716.2(PC):c.3409C>G (p.Leu1137Val)

Gene: PC (pyruvate carboxylase; minus strand). Cytogenetic location: 11q13.2.
Variant type: single nucleotide variant.
Coding change: c.3409C>G on transcript NM_001040716.2 (MANE Select); coding-DNA position 3409, C replaced by G.
Protein change: p.Leu1137Val; replaces leucine 1137 with valine.
Molecular consequence: missense variant.
Genome position (GRCh38, 1-based): chr11:66,849,027, G>C on the plus strand (C>G on the coding strand, the complement: PC is on the minus strand). VCF-style: chr11-66849027-G-C. GRCh37 (hg19) VCF-style: chr11-66616498-G-C.
Other names: c.3409C>G, p.Leu1137Val (NM_000920.4, NM_022172.3); short protein forms L1137V.
Identifiers: ClinVar variation 1303614 (VCV001303614.5), dbSNP rs777927070, ClinGen allele CA6130785.
Genomic context (GRCh38, chr11:66,849,027, plus strand): 5'-CAGTACCCTCCATGGGTGAGGTCACCACAGTCTCCATCTTCATGGCACTGAGCACACACA[G>C]GGGCTGGCCCTTGGCCACCTTGGCCCCTGCCACCACTTTGATGTCTATCACCTTCCCAGG-3'
Protein context (NP_001035806.1, residues 1127-1147): AGAKVAKGQP[Leu1137Val]CVLSAMKMET